The following is an entry in ClinVar:

ClinVar aggregate classification (germline): Uncertain significance. Review status: criteria provided, multiple submitters, no conflicts (2 of 4 stars). 2 submissions from 2 submitters: Uncertain significance (2). Last evaluated 2022-06-27.

Allele frequency attached by ClinVar (database versions not stated): ExAC 0.00001; gnomAD exomes 0.00001; gnomAD 0.00003; TOPMed 0.00004.
gnomAD v4.1: 12 of 1,612,974 alleles (0.00074%); highest among the groups gnomAD compares: East Asian, 0.0067%; no homozygotes.

Submissions (2):

Labcorp Genetics (formerly Invitae), Labcorp
Classification: Uncertain significance. Last evaluated: 2022-06-27. Review status: criteria provided, single submitter. Criteria: Invitae Variant Classification Sherloc (09022015). Collection method: clinical testing. Allele origin: germline.
Comment: In summary, the available evidence is currently insufficient to determine the role of this variant in disease. Therefore, it has been classified as a Variant of Uncertain Significance. Algorithms developed to predict the effect of missense changes on protein structure and function are either unavailable or do not agree on the potential impact of this missense change (SIFT: "Deleterious"; PolyPhen-2: "Probably Damaging"; Align-GVGD: "Class C0"). ClinVar contains an entry for this variant (Variation ID: 198576). This variant has not been reported in the literature in individuals affected with CENPJ-related conditions. This variant is present in population databases (rs764657242, gnomAD 0.02%). This sequence change replaces arginine, which is basic and polar, with tryptophan, which is neutral and slightly polar, at codon 612 of the CENPJ protein (p.Arg612Trp).

Eurofins Ntd Llc (ga)
Classification: Uncertain significance. Last evaluated: 2015-05-28. Review status: criteria provided, single submitter. Criteria: EGL Classification Definitions 2015. Collection method: clinical testing. Allele origin: germline. Observed: 1 variant allele, 1 heterozygote.

NM_018451.5(CPAP):c.1834C>T (p.Arg612Trp)

Gene: CPAP (centrosome assembly and centriole elongation protein; minus strand). Cytogenetic location: 13q12.13.
Variant type: single nucleotide variant.
Coding change: c.1834C>T on transcript NM_018451.5 (MANE Select); coding-DNA position 1834, C replaced by T.
Protein change: p.Arg612Trp; replaces arginine 612 with tryptophan.
Molecular consequence: missense variant. On other transcripts: non-coding transcript variant (2).
Genome position (GRCh38, 1-based): chr13:24,906,204, G>A on the plus strand (C>T on the coding strand, the complement: CPAP is on the minus strand). VCF-style: chr13-24906204-G-A. GRCh37 (hg19) VCF-style: chr13-25480342-G-A.
Other names: short protein forms R612W.
Identifiers: ClinVar variation 198576 (VCV000198576.9), dbSNP rs764657242, ClinGen allele CA247311.
Genomic context (GRCh38, chr13:24,906,204, plus strand): 5'-TAATGGGATCTGCCGGATTTGTCTTCTGTGGCACAGCTTTGACAGGGGTGGAAGACATCC[G>A]GTGACCTTTGCAGATCTGTTGATCCCTTTCTAAGATTTTCAGTACAAATGAGGAATTACT-3'
Protein context (NP_060921.3, residues 602-622): ERDQQICKGH[Arg612Trp]MSSTPVKAVP